The following is an entry in ClinVar:

ClinVar aggregate classification (germline): Benign/Likely benign. Review status: criteria provided, multiple submitters, no conflicts (2 of 4 stars). 2 submissions from 2 submitters: Benign (1); Likely benign (1). Last evaluated 2026-03-01.

Allele frequency attached by ClinVar (database versions not stated): gnomAD exomes 0.00033 and 0.00087; 1000 Genomes Project 30x 0.00141; gnomAD 0.00002 and 0.00016; TOPMed 0.00003; ExAC 0.00166; 1000 Genomes Project 0.00180.

Submissions (2):

CeGaT Center for Human Genetics Tuebingen
Classification: Likely benign. Last evaluated: 2026-03-01. Review status: criteria provided, single submitter. Criteria: CeGaT Center For Human Genetics Tuebingen Variant Classification Criteria Version 2. Collection method: clinical testing. Allele origin: germline. Affected: yes. Observed: 2 variant alleles.
Comment: NEUROG1: BP4, BP7

Labcorp Genetics (formerly Invitae), Labcorp
Classification: Benign. Last evaluated: 2018-03-29. Review status: criteria provided, single submitter. Criteria: Invitae Variant Classification Sherloc (09022015). Collection method: clinical testing. Allele origin: germline.

NM_006161.3(NEUROG1):c.141G>A (p.Pro47=)

Genes: NEUROG1 (neurogenin 1; minus strand), LOC123497974 (Sharpr-MPRA regulatory region 242; plus strand). Cytogenetic location: 5q31.1.
Variant type: single nucleotide variant.
Coding change: c.141G>A on transcript NM_006161.3 (MANE Select); coding-DNA position 141, G replaced by A.
Protein change: p.Pro47=; no amino-acid change (proline 47 retained).
Molecular consequence: synonymous variant.
Genome position (GRCh38, 1-based): chr5:135,535,550, C>T on the plus strand (G>A on the coding strand, the complement: NEUROG1 is on the minus strand). VCF-style: chr5-135535550-C-T. GRCh37 (hg19) VCF-style: chr5-134871240-C-T.
Identifiers: ClinVar variation 738611 (VCV000738611.16), dbSNP rs372537110, ClinGen allele CA3418647.
Genomic context (GRCh38, chr5:135,535,550, plus strand): 5'-GTCGTCCTGTGCCCCTGGAACCTCAGACGCCCGGGAGATATTGGGCGCGCCCCTGCGGGC[C>T]GGCGCGGGCGGCCCCGAAGCGGAGGCTGCCTGTTGGAGTCTGGCACAGTCTTCCTCGTCG-3'
Protein context (NP_006152.2, residues 37-57): QAASASGPPA[Pro47=]ARRGAPNISR